The following is an entry in ClinVar:

ClinVar aggregate classification (germline): Uncertain significance (1 of 4 stars; one submission).

Conditions:
Spastic paraplegia. Identifiers: MedGen C0037772, HP:0001258.

Submission:

Labcorp Genetics (formerly Invitae), Labcorp
Classification: Uncertain significance for Spastic paraplegia. Last evaluated: 2021-01-28. Review status: criteria provided, single submitter. Criteria: Invitae Variant Classification Sherloc (09022015). Collection method: clinical testing. Allele origin: germline.
Comment: This variant is not present in population databases (ExAC no frequency). This variant, c.2277_2285del, results in the deletion of 3 amino acid(s) of the AP4E1 protein (p.Glu760_Glu762del), but otherwise preserves the integrity of the reading frame. This variant has not been reported in the literature in individuals with AP4E1-related conditions. Experimental studies and prediction algorithms are not available or were not evaluated, and the functional significance of this variant is currently unknown. In summary, the available evidence is currently insufficient to determine the role of this variant in disease. Therefore, it has been classified as a Variant of Uncertain Significance.

NM_007347.5(AP4E1):c.2277_2285del (p.Glu760_Glu762del)

Gene: AP4E1 (adaptor related protein complex 4 subunit epsilon 1; plus strand). Cytogenetic location: 15q21.2.
Variant type: Deletion.
Coding change: c.2277_2285del on transcript NM_007347.5 (MANE Select); coding-DNA positions 2277 to 2285, 9 bases deleted (GGAGAAAGA; older notation c.2277_2285delGGAGAAAGA).
Protein change: p.Glu760_Glu762del.
Molecular consequence: inframe deletion.
Genome position (GRCh38, 1-based): chr15:50,993,556-50,993,564, GGAGAAAGA deleted; deleting any 9 consecutive bases within chr15:50,993,551-50,993,564 gives the same sequence; the c. name uses the placement nearest the transcript's 3' end. VCF-style (leftmost placement, unchanged base first): chr15-50993550-TAAAGAGGAG-T. GRCh37 (hg19) VCF-style: chr15-51285747-TAAAGAGGAG-T.
Other names: c.2052_2060del, p.Glu685_Glu687del (NM_001252127.2).
Identifiers: ClinVar variation 1497743 (VCV001497743.8), dbSNP rs2140928535, ClinGen allele CA2573151022.
Genomic context (GRCh38, chr15:50,993,550, plus strand): 5'-AATGGAGAATGTAGATCAAGCTATAACTAAAAAGGATCAATCTCAAGTTCTTACCCAATC[TAAAGAGGAG>T]AAAGAAAAGCAGCTGCTGGCATCATCATTATTTGTTGGTCTAGGATCAGAAAGTACAATC-3'